The following is an entry in ClinVar:

ClinVar aggregate classification (germline): Uncertain significance (1 of 4 stars; one submission).

Allele frequency attached by ClinVar (database versions not stated): gnomAD exomes below 0.00001 and 0.00001.
gnomAD v4.1: 5 of 1,613,998 alleles (0.00031%); highest among the groups gnomAD compares: Non-Finnish European, 0.00042%; no homozygotes.

Submission:

GeneDx
Classification: Uncertain significance. Last evaluated: 2019-09-12. Review status: criteria provided, single submitter. Criteria: GeneDx Variant Classification Process June 2021. Collection method: clinical testing. Allele origin: germline. Affected: yes.
Comment: Not observed at a significant frequency in large population cohorts (Lek et al., 2016); In silico analysis, which includes protein predictors and evolutionary conservation, supports a deleterious effect; Has not been previously published as pathogenic or benign to our knowledge

NM_014244.5(ADAMTS2):c.2543T>C (p.Val848Ala)

Gene: ADAMTS2 (ADAM metallopeptidase with thrombospondin type 1 motif 2; minus strand). Cytogenetic location: 5q35.3.
Variant type: single nucleotide variant.
Coding change: c.2543T>C on transcript NM_014244.5 (MANE Select); coding-DNA position 2543, T replaced by C.
Protein change: p.Val848Ala; replaces valine 848 with alanine.
Molecular consequence: missense variant.
Genome position (GRCh38, 1-based): chr5:179,128,033, A>G on the plus strand (T>C on the coding strand, the complement: ADAMTS2 is on the minus strand). VCF-style: chr5-179128033-A-G. GRCh37 (hg19) VCF-style: chr5-178555034-A-G.
Other names: short protein forms V848A.
Identifiers: ClinVar variation 1304402 (VCV001304402.2), dbSNP rs1473560758, ClinGen allele CA362423130.